The following is an entry in ClinVar:

NM_006306.4(SMC1A):c.1213G>A (p.Asp405Asn)

Gene: SMC1A (structural maintenance of chromosomes 1A; minus strand). Cytogenetic location: Xp11.22.
Variant type: single nucleotide variant.
Coding change: c.1213G>A on transcript NM_006306.4 (MANE Select); coding-DNA position 1213, G replaced by A.
Protein change: p.Asp405Asn; replaces aspartic acid 405 with asparagine.
Molecular consequence: missense variant.
Genome position (GRCh38, 1-based): chrX:53,411,802, C>T on the plus strand (G>A on the coding strand, the complement: SMC1A is on the minus strand). VCF-style: chrX-53411802-C-T. GRCh37 (hg19) VCF-style: chrX-53438752-C-T.
Other names: c.1213G>A (NM_006306.2); c.1147G>A, p.Asp383Asn (NM_001281463.1); short protein forms D405N, D383N.
Identifiers: ClinVar variation 2854735 (VCV002854735.4), dbSNP rs2520955896, ClinGen allele CA413256507.

ClinVar aggregate classification (germline): Uncertain significance. Review status: criteria provided, multiple submitters, no conflicts (2 of 4 stars). 2 submissions from 2 submitters: Uncertain significance (2). Last evaluated 2025-03-19.

Conditions:
Congenital muscular hypertrophy-cerebral syndrome (CDLS2). Also called: SMC1A-Related Cornelia de Lange Syndrome; Cornelia de Lange syndrome 2. Identifiers: Orphanet 199, MedGen C1802395, MONDO:0010370, OMIM 300590.

Submissions (2):

GeneDx
Classification: Uncertain significance. Last evaluated: 2025-03-19. Review status: criteria provided, single submitter. Criteria: GeneDx Variant Classification Process June 2021. Collection method: clinical testing. Allele origin: germline. Affected: yes.
Comment: Not observed at significant frequency in large population cohorts (gnomAD); Missense variants in this gene are a common cause of disease and they are underrepresented in the general population; In silico analysis supports that this missense variant has a deleterious effect on protein structure/function; Has not been previously published as pathogenic or benign to our knowledge

Labcorp Genetics (formerly Invitae), Labcorp
Classification: Uncertain significance for Congenital muscular hypertrophy-cerebral syndrome. Last evaluated: 2023-04-10. Review status: criteria provided, single submitter. Criteria: Invitae Variant Classification Sherloc (09022015). Collection method: clinical testing. Allele origin: germline.
Comment: In summary, the available evidence is currently insufficient to determine the role of this variant in disease. Therefore, it has been classified as a Variant of Uncertain Significance. Advanced modeling of protein sequence and biophysical properties (such as structural, functional, and spatial information, amino acid conservation, physicochemical variation, residue mobility, and thermodynamic stability) performed at Invitae indicates that this missense variant is not expected to disrupt SMC1A protein function. This variant has not been reported in the literature in individuals affected with SMC1A-related conditions. This variant is not present in population databases (gnomAD no frequency). This sequence change replaces aspartic acid, which is acidic and polar, with asparagine, which is neutral and polar, at codon 405 of the SMC1A protein (p.Asp405Asn).